The following is an entry in ClinVar:

NM_020686.6(ABAT):c.482T>G (p.Met161Arg)

Gene: ABAT (4-aminobutyrate aminotransferase; plus strand). Cytogenetic location: 16p13.2.
Variant type: single nucleotide variant.
Coding change: c.482T>G on transcript NM_020686.6 (MANE Select); coding-DNA position 482, T replaced by G.
Protein change: p.Met161Arg; replaces methionine 161 with arginine.
Molecular consequence: missense variant. On other transcripts: intron variant (1).
Genome position (GRCh38, 1-based): chr16:8,764,772, T>G. VCF-style: chr16-8764772-T-G. GRCh37 (hg19) VCF-style: chr16-8858629-T-G.
Other names: c.482T>G, p.Met161Arg (NM_000663.5, NM_001127448.2, NM_001386600.1 and 9 more transcripts); c.347T>G, p.Met116Arg (NM_001386610.1, NM_001386611.1, NM_001386612.1 and 1 more transcripts); c.236T>G, p.Met79Arg (NM_001386614.1); c.578T>G, p.Met193Arg (NM_001386615.1); c.447+623T>G (NM_001386608.1); short protein forms M161R, M116R, M193R, M79R.
Identifiers: ClinVar variation 863306 (VCV000863306.7), dbSNP rs1323737693, ClinGen allele CA394688385.
Genomic context (GRCh38, chr16:8,764,772, plus strand): 5'-GCTCACGGCTATTTCCCTCCCCACAGGTGGCTCCCAAAGGGATGTCCCAGCTCATCACCA[T>G]GGCCTGCGGCTCCTGCTCCAATGAAAACGCCTTAAAGACCATCTTCATGTGGTACCGGGT-3'
Protein context (NP_065737.2, residues 151-171): APKGMSQLIT[Met161Arg]ACGSCSNENA

ClinVar aggregate classification (germline): Uncertain significance (1 of 4 stars; one submission).

Conditions:
Gamma-aminobutyric acid transaminase deficiency (GABATD). Also called: GABA transaminase deficiency; Gamma aminobutyrate transaminase deficiency; 4 alpha aminobutyrate transaminase deficiency; GABA aminotransaminase deficiency. Identifiers: Orphanet 2066, MedGen C0342708, MONDO:0013166, OMIM 613163.

Allele frequency attached by ClinVar (database versions not stated): gnomAD exomes below 0.00001; TOPMed below 0.00001; gnomAD 0.00001.

Submission:

Labcorp Genetics (formerly Invitae), Labcorp
Classification: Uncertain significance for Gamma-aminobutyric acid transaminase deficiency. Last evaluated: 2022-04-28. Review status: criteria provided, single submitter. Criteria: Invitae Variant Classification Sherloc (09022015). Collection method: clinical testing. Allele origin: germline.
Comment: This sequence change replaces methionine, which is neutral and non-polar, with arginine, which is basic and polar, at codon 161 of the ABAT protein (p.Met161Arg). This variant is not present in population databases (gnomAD no frequency). This variant has not been reported in the literature in individuals affected with ABAT-related conditions. ClinVar contains an entry for this variant (Variation ID: 863306). Algorithms developed to predict the effect of missense changes on protein structure and function are either unavailable or do not agree on the potential impact of this missense change (SIFT: "Tolerated"; PolyPhen-2: "Possibly Damaging"; Align-GVGD: "Class C0"). Algorithms developed to predict the effect of sequence changes on RNA splicing suggest that this variant may create or strengthen a splice site. In summary, the available evidence is currently insufficient to determine the role of this variant in disease. Therefore, it has been classified as a Variant of Uncertain Significance.